The following is an entry in ClinVar:

NM_000179.3(MSH6):c.3952_3977dup (p.Met1326fs)

Gene: MSH6 (mutS homolog 6; plus strand). Cytogenetic location: 2p16.3.
Variant type: Duplication.
Coding change: c.3952_3977dup on transcript NM_000179.3 (MANE Select); coding-DNA positions 3952 to 3977, 26 bases duplicated (AGAAAAGCAAGAGAATTTGAGAAGAT).
Protein change: p.Met1326fs; shifts the reading frame from methionine 1326.
Molecular consequence: frameshift variant.
Genome position (GRCh38, 1-based): chr2:47,806,602-47,806,627, AGAAAAGCAAGAGAATTTGAGAAGAT duplicated; duplicating any 26 consecutive bases within chr2:47,806,600-47,806,627 gives the same sequence; the c. name uses the placement nearest the transcript's 3' end. VCF-style (leftmost placement, unchanged base first): chr2-47806599-C-CATAGAAAAGCAAGAGAATTTGAGAAG. GRCh37 (hg19) VCF-style: chr2-48033738-C-CATAGAAAAGCAAGAGAATTTGAGAAG.
Other names: c.3562_3587dup, p.Met1196fs (NM_001281492.2); c.3046_3071dup, p.Met1024fs (NM_001281493.2, NM_001281494.2); short protein forms M1196fs, M1024fs, M1326fs.
Identifiers: ClinVar variation 1452502 (VCV001452502.6), dbSNP rs2104564233, ClinGen allele CA2573134796.

ClinVar aggregate classification (germline): Pathogenic (1 of 4 stars; one submission).

Conditions:
Hereditary nonpolyposis colorectal neoplasms. Identifiers: MedGen C0009405, MeSH D003123.

Submission:

Labcorp Genetics (formerly Invitae), Labcorp
Classification: Pathogenic for Hereditary nonpolyposis colorectal neoplasms. Last evaluated: 2021-07-18. Review status: criteria provided, single submitter. Criteria: Invitae Variant Classification Sherloc (09022015). Collection method: clinical testing. Allele origin: germline.
Comment: For these reasons, this variant has been classified as Pathogenic. This variant disrupts a region of the MSH6 protein in which other variant(s) (p.Arg1331*) have been determined to be pathogenic (PMID: 15483016, 16034045, 16418736, 18301448, 20587412, 21056691, 21642682, 26318770, 27601186). This suggests that this is a clinically significant region of the protein, and that variants that disrupt it are likely to be disease-causing. This variant has not been reported in the literature in individuals affected with MSH6-related conditions. This variant is not present in population databases (ExAC no frequency). This sequence change creates a premature translational stop signal (p.Met1326Ilefs*10) in the MSH6 gene. While this is not anticipated to result in nonsense mediated decay, it is expected to disrupt the last 35 amino acid(s) of the MSH6 protein.

Literature cited by the submitters: PubMed 15483016; PubMed 16034045; PubMed 16418736; PubMed 18301448; PubMed 20587412; PubMed 21056691; PubMed 21642682; PubMed 26318770; PubMed 27601186.